The following is an entry in ClinVar:

ClinVar aggregate classification (germline): Pathogenic (1 of 4 stars; one submission).

Conditions:
Microcephaly 8, primary, autosomal recessive. Identifiers: Orphanet 2512, MedGen C3553414, MONDO:0013849, OMIM 614673.

Submission:

Daryl Scott Lab, Baylor College of Medicine
Classification: Pathogenic for Microcephaly 8, primary, autosomal recessive. Last evaluated: 2025-08-25. Review status: criteria provided, single submitter. Criteria: ACMG Guidelines, 2015. Collection method: clinical testing. Allele origin: maternal. Affected: yes. Observed: 1 compound heterozygote.
Comment: PVS1, PM2, PM3

NM_025009.5(CEP135):c.2501dup (p.Asn834fs)

Gene: CEP135 (centrosomal protein 135; plus strand). Cytogenetic location: 4q12.
Variant type: Duplication.
Coding change: c.2501dup on transcript NM_025009.5 (MANE Select); coding-DNA position 2501, one base duplicated (A; older notation c.2501dupA).
Protein change: p.Asn834fs; shifts the reading frame from asparagine 834.
Molecular consequence: frameshift variant.
Genome position (GRCh38, 1-based): chr4:56,009,899, A duplicated; the last of 4 consecutive A bases (chr4:56,009,896-56,009,899); duplicating any one gives the same sequence. VCF-style (leftmost placement, unchanged base first): chr4-56009895-G-GA. GRCh37 (hg19) VCF-style: chr4-56876061-G-GA.
Other names: short protein forms N834fs.
Identifiers: ClinVar variation 4279703 (VCV004279703.1).
Genomic context (GRCh38, chr4:56,009,895, plus strand): 5'-AGAGAAATCGCTTTTAAGGAAAACAGAAGACTGCAAGATGACCTGGCTACAATGGCAAGA[G>GA]AAAATCAAGTATGAACACAAGGCATAAATTTTGATAGTTTTATACTTTCCATTGTTTGCT-3'